The following is an entry in ClinVar:

ClinVar aggregate classification (germline): Uncertain significance (1 of 4 stars; one submission).

Conditions:
COG7 congenital disorder of glycosylation (CDG2E). Also called: CONGENITAL DISORDER OF GLYCOSYLATION, TYPE IIe; CDG IIe. Identifiers: Orphanet 79333, MedGen C2931010, MONDO:0012118, OMIM 608779.

Allele frequency attached by ClinVar (database versions not stated): gnomAD exomes below 0.00001.
gnomAD v4.1: 1 of 1,614,260 alleles (0.000062%); highest among the groups gnomAD compares: South Asian, 0.0011%; no homozygotes.

Submission:

Labcorp Genetics (formerly Invitae), Labcorp
Classification: Uncertain significance for COG7 congenital disorder of glycosylation. Last evaluated: 2022-08-09. Review status: criteria provided, single submitter. Criteria: Invitae Variant Classification Sherloc (09022015). Collection method: clinical testing. Allele origin: germline.
Comment: In summary, the available evidence is currently insufficient to determine the role of this variant in disease. Therefore, it has been classified as a Variant of Uncertain Significance. Algorithms developed to predict the effect of missense changes on protein structure and function (SIFT, PolyPhen-2, Align-GVGD) all suggest that this variant is likely to be disruptive. This variant has not been reported in the literature in individuals affected with COG7-related conditions. This variant is not present in population databases (gnomAD no frequency). This sequence change replaces leucine, which is neutral and non-polar, with arginine, which is basic and polar, at codon 564 of the COG7 protein (p.Leu564Arg).

NM_153603.4(COG7):c.1691T>G (p.Leu564Arg)

Gene: COG7 (component of oligomeric golgi complex 7; minus strand). Cytogenetic location: 16p12.2.
Variant type: single nucleotide variant.
Coding change: c.1691T>G on transcript NM_153603.4 (MANE Select); coding-DNA position 1691, T replaced by G.
Protein change: p.Leu564Arg; replaces leucine 564 with arginine.
Molecular consequence: missense variant.
Genome position (GRCh38, 1-based): chr16:23,403,806, A>C on the plus strand (T>G on the coding strand, the complement: COG7 is on the minus strand). VCF-style: chr16-23403806-A-C. GRCh37 (hg19) VCF-style: chr16-23415127-A-C.
Other names: short protein forms L564R.
Identifiers: ClinVar variation 1714395 (VCV001714395.5), dbSNP rs2506567907, ClinGen allele CA395118098.